The following is an entry in ClinVar:

NM_001077653.2(TBX20):c.1254G>A (p.Met418Ile)

Gene: TBX20 (T-box transcription factor 20; minus strand). Cytogenetic location: 7p14.2.
Variant type: single nucleotide variant.
Coding change: c.1254G>A on transcript NM_001077653.2 (MANE Select); coding-DNA position 1254, G replaced by A.
Protein change: p.Met418Ile; replaces methionine 418 with isoleucine.
Molecular consequence: missense variant.
Genome position (GRCh38, 1-based): chr7:35,202,520, C>T on the plus strand (G>A on the coding strand, the complement: TBX20 is on the minus strand). VCF-style: chr7-35202520-C-T. GRCh37 (hg19) VCF-style: chr7-35242132-C-T.
Other names: short protein forms M418I.
Identifiers: ClinVar variation 2742614 (VCV002742614.5), dbSNP rs775097565, ClinGen allele CA4217327.
Genomic context (GRCh38, chr7:35,202,520, plus strand): 5'-ATGGCGTAGTCCTTGAATGGCAGCATAGGGCCCCTGCTGAAAATAGTGATGGTATCGCGG[C>T]ATGTGGAATGAAGGGAATGTGGGGCCACTCCCTTGCATGGAGCTGGCAATGGCCGATGGT-3'
Protein context (NP_001071121.1, residues 408-428): GSGPTFPSFH[Met418Ile]PRYHHYFQQG

ClinVar aggregate classification (germline): Uncertain significance. Review status: criteria provided, multiple submitters, no conflicts (2 of 4 stars). 3 submissions from 3 submitters: Uncertain significance (3). Last evaluated 2025-03-23.

Conditions:
Cardiovascular phenotype. Identifiers: MedGen CN230736.

Allele frequency attached by ClinVar (database versions not stated): ExAC 0.00002.
gnomAD v4.1: 4 of 1,612,576 alleles (0.00025%); highest among the groups gnomAD compares: Middle Eastern, 0.017%; no homozygotes.

Submissions (3):

Ambry Genetics
Classification: Uncertain significance for Cardiovascular phenotype. Last evaluated: 2025-03-23. Review status: criteria provided, single submitter. Criteria: Ambry Variant Classification Scheme 2023. Collection method: clinical testing. Allele origin: germline.
Comment: The p.M418I variant (also known as c.1254G>A), located in coding exon 8 of the TBX20 gene, results from a G to A substitution at nucleotide position 1254. The methionine at codon 418 is replaced by isoleucine, an amino acid with highly similar properties. This amino acid position is conserved. In addition, the in silico prediction for this alteration is inconclusive. Based on the available evidence, the clinical significance of this variant remains unclear.

GeneDx
Classification: Uncertain significance. Last evaluated: 2024-05-13. Review status: criteria provided, single submitter. Criteria: GeneDx Variant Classification Process June 2021. Collection method: clinical testing. Allele origin: germline. Affected: yes.
Comment: Not observed at significant frequency in large population cohorts (gnomAD); In silico analysis indicates that this missense variant does not alter protein structure/function; Has not been previously published as pathogenic or benign to our knowledge

Labcorp Genetics (formerly Invitae), Labcorp
Classification: Uncertain significance. Last evaluated: 2024-01-28. Review status: criteria provided, single submitter. Criteria: Invitae Variant Classification Sherloc (09022015). Collection method: clinical testing. Allele origin: germline.
Comment: This sequence change replaces methionine, which is neutral and non-polar, with isoleucine, which is neutral and non-polar, at codon 418 of the TBX20 protein (p.Met418Ile). This variant is present in population databases (rs775097565, gnomAD 0.002%). This variant has not been reported in the literature in individuals affected with TBX20-related conditions. An algorithm developed to predict the effect of missense changes on protein structure and function (PolyPhen-2) suggests that this variant is likely to be tolerated. In summary, the available evidence is currently insufficient to determine the role of this variant in disease. Therefore, it has been classified as a Variant of Uncertain Significance.